The following is an entry in ClinVar:

ClinVar aggregate classification (germline): Conflicting classifications of pathogenicity. Review status: criteria provided, conflicting classifications (1 of 4 stars). 2 submissions from 2 submitters: Uncertain significance (1); Likely benign (1). Last evaluated 2024-04-08.

Conditions:
AHDC1-related disorder. Also called: AHDC1-related condition.

Allele frequency attached by ClinVar (database versions not stated): gnomAD 0.00001; ExAC 0.00002; gnomAD exomes 0.00002; TOPMed 0.00002.
gnomAD v4.1: 13 of 1,613,894 alleles (0.00081%); highest among the groups gnomAD compares: Non-Finnish European, 0.0011%; no homozygotes.

Submissions (2):

Blueprint Genetics
Classification: Likely benign. Last evaluated: 2024-04-08. Review status: criteria provided, single submitter. Criteria: ACMG Guidelines, 2015. Collection method: clinical testing. Allele origin: germline.

PreventionGenetics, part of Exact Sciences
Classification: Uncertain significance for AHDC1-related condition. Last evaluated: 2022-09-07. Review status: criteria provided, single submitter. Criteria: ACMG Guidelines, 2015. Collection method: clinical testing. Allele origin: germline.
Comment: The AHDC1 c.1849G>A variant is predicted to result in the amino acid substitution p.Ala617Thr. To our knowledge, this variant has not been reported in the literature. This variant is reported in 0.0044% of alleles in individuals of European (Non-Finnish) descent in gnomAD. At this time, the clinical significance of this variant is uncertain due to the absence of conclusive functional and genetic evidence.

NM_001371928.1(AHDC1):c.1849G>A (p.Ala617Thr)

Gene: AHDC1 (AT-hook DNA binding motif containing 1; minus strand). Cytogenetic location: 1p36.11.
Variant type: single nucleotide variant.
Coding change: c.1849G>A on transcript NM_001371928.1 (MANE Select); coding-DNA position 1849, G replaced by A.
Protein change: p.Ala617Thr; replaces alanine 617 with threonine.
Molecular consequence: missense variant.
Genome position (GRCh38, 1-based): chr1:27,550,267, C>T on the plus strand (G>A on the coding strand, the complement: AHDC1 is on the minus strand). VCF-style: chr1-27550267-C-T. GRCh37 (hg19) VCF-style: chr1-27876778-C-T.
Other names: c.1849G>A, p.Ala617Thr (NM_001029882.3); short protein forms A617T.
Identifiers: ClinVar variation 2629337 (VCV002629337.2), dbSNP rs771954132, ClinGen allele CA715877.
Genomic context (GRCh38, chr1:27,550,267, plus strand): 5'-AGCGGGGCGGTGAGCACCGTCCAGCGCACTGGCTCTGGCGGTTCAGGAAGGCCAGCTTGG[C>T]CAGGACGTCTGAGTACTCGGCCTTGCTGTCGTTGGCGTCTGCTGCATAGGATGGCTGGGG-3'
Protein context (NP_001358857.1, residues 607-627): DSKAEYSDVL[Ala617Thr]KLAFLNRQSQ